The following is an entry in ClinVar:

NM_004656.4(BAP1):c.1400C>G (p.Thr467Ser)

Gene: BAP1 (BRCA1 associated deubiquitinase 1; minus strand). Cytogenetic location: 3p21.1.
Variant type: single nucleotide variant.
Coding change: c.1400C>G on transcript NM_004656.4 (MANE Select); coding-DNA position 1400, C replaced by G.
Protein change: p.Thr467Ser; replaces threonine 467 with serine.
Molecular consequence: missense variant.
Genome position (GRCh38, 1-based): chr3:52,403,745, G>C on the plus strand (C>G on the coding strand, the complement: BAP1 is on the minus strand). VCF-style: chr3-52403745-G-C. GRCh37 (hg19) VCF-style: chr3-52437761-G-C.
Other names: c.1400C>G (LRG_529t1, NM_004656.3); short protein forms T467S.
Identifiers: ClinVar variation 485300 (VCV000485300.12), dbSNP rs1268207501, ClinGen allele CA353101569.

ClinVar aggregate classification (germline): Uncertain significance. Review status: criteria provided, multiple submitters, no conflicts (2 of 4 stars). 3 submissions from 3 submitters: Uncertain significance (3). Last evaluated 2025-10-22.

Conditions:
BAP1-related tumor predisposition syndrome (TPDS1). Also called: Tumor susceptibility linked to germline BAP1 mutations; BAP1 tumor predisposition syndrome; COMMON Syndrome; TUMOR PREDISPOSITION SYNDROME 1. Identifiers: Orphanet 289539, MedGen C3280492, MONDO:0013692, OMIM 614327.
Hereditary cancer-predisposing syndrome. Also called: Neoplastic Syndromes, Hereditary; Tumor predisposition; Hereditary Cancer Syndrome; Hereditary neoplastic syndrome. Identifiers: Orphanet 140162, MedGen C0027672, MeSH D009386, MONDO:0015356.

Allele frequency attached by ClinVar (database versions not stated): gnomAD exomes below 0.00001.
gnomAD v4.1: 1 of 1,614,102 alleles (0.000062%); highest among the groups gnomAD compares: Non-Finnish European, 0.000085%; no homozygotes.

Submissions (3):

Ambry Genetics
Classification: Uncertain significance for Hereditary cancer-predisposing syndrome. Last evaluated: 2025-10-22. Review status: criteria provided, single submitter. Criteria: Ambry Variant Classification Scheme 2023. Collection method: clinical testing. Allele origin: germline.
Comment: The p.T467S variant (also known as c.1400C>G), located in coding exon 13 of the BAP1 gene, results from a C to G substitution at nucleotide position 1400. The threonine at codon 467 is replaced by serine, an amino acid with similar properties. This amino acid position is highly conserved in available vertebrate species. In addition, the in silico prediction for this alteration is inconclusive. Based on the available evidence, the clinical significance of this variant remains unclear.

GeneDx
Classification: Uncertain significance. Last evaluated: 2024-10-22. Review status: criteria provided, single submitter. Criteria: GeneDx Variant Classification Process June 2021. Collection method: clinical testing. Allele origin: germline. Affected: yes.
Comment: Not observed at significant frequency in large population cohorts (gnomAD); In silico analysis indicates that this missense variant does not alter protein structure/function; Has not been previously published as pathogenic or benign to our knowledge

Labcorp Genetics (formerly Invitae), Labcorp
Classification: Uncertain significance for BAP1-related tumor predisposition syndrome. Last evaluated: 2024-04-11. Review status: criteria provided, single submitter. Criteria: Invitae Variant Classification Sherloc (09022015). Collection method: clinical testing. Allele origin: germline.
Comment: This sequence change replaces threonine, which is neutral and polar, with serine, which is neutral and polar, at codon 467 of the BAP1 protein (p.Thr467Ser). This variant is present in population databases (no rsID available, gnomAD 0.0009%). This variant has not been reported in the literature in individuals affected with BAP1-related conditions. ClinVar contains an entry for this variant (Variation ID: 485300). Advanced modeling of protein sequence and biophysical properties (such as structural, functional, and spatial information, amino acid conservation, physicochemical variation, residue mobility, and thermodynamic stability) performed at Invitae indicates that this missense variant is not expected to disrupt BAP1 protein function with a negative predictive value of 80%. In summary, the available evidence is currently insufficient to determine the role of this variant in disease. Therefore, it has been classified as a Variant of Uncertain Significance.